The following is an entry in ClinVar:

ClinVar aggregate classification (germline): Conflicting classifications of pathogenicity. Review status: criteria provided, conflicting classifications (1 of 4 stars). 2 submissions from 2 submitters: Uncertain significance (1); Benign (1). Last evaluated 2025-09-09.

Conditions:
Familial adenomatous polyposis 2. Also called: COLORECTAL ADENOMATOUS POLYPOSIS, AUTOSOMAL RECESSIVE; ADENOMAS, MULTIPLE COLORECTAL, AUTOSOMAL RECESSIVE; Adenomas, multiple colorectal; FAP type 2; MUTYH Polyposis; MUTYH-associated polyposis. Identifiers: Orphanet 220460, Orphanet 247798, MedGen C3272841, MONDO:0012041, OMIM 608456.
Hereditary cancer-predisposing syndrome. Also called: Neoplastic Syndromes, Hereditary; Hereditary Cancer Syndrome; Hereditary neoplastic syndrome; Tumor predisposition. Identifiers: Orphanet 140162, MedGen C0027672, MeSH D009386, MONDO:0015356.

Submissions (2):

Ambry Genetics
Classification: Benign for Hereditary cancer-predisposing syndrome. Last evaluated: 2025-09-09. Review status: criteria provided, single submitter. Criteria: Ambry Variant Classification Scheme 2023. Collection method: clinical testing. Allele origin: germline.

Labcorp Genetics (formerly Invitae), Labcorp
Classification: Uncertain significance for Familial adenomatous polyposis 2. Last evaluated: 2020-09-21. Review status: criteria provided, single submitter. Criteria: Invitae Variant Classification Sherloc (09022015). Collection method: clinical testing. Allele origin: germline.
Comment: This variant is not present in population databases (ExAC no frequency). In summary, the available evidence is currently insufficient to determine the role of this variant in disease. Therefore, it has been classified as a Variant of Uncertain Significance. Algorithms developed to predict the effect of missense changes on protein structure and function output the following: SIFT: "Tolerated"; PolyPhen-2: "Benign"; Align-GVGD: "Class C0". The lysine amino acid residue is found in multiple mammalian species, suggesting that this missense change does not adversely affect protein function. These predictions have not been confirmed by published functional studies and their clinical significance is uncertain. This variant has not been reported in the literature in individuals with MUTYH-related conditions. This sequence change replaces glutamic acid with lysine at codon 315 of the MUTYH protein (p.Glu315Lys). The glutamic acid residue is moderately conserved and there is a small physicochemical difference between glutamic acid and lysine.

NM_001048174.2(MUTYH):c.859G>A (p.Glu287Lys)

Gene: MUTYH (mutY DNA glycosylase; minus strand). Cytogenetic location: 1p34.1.
Variant type: single nucleotide variant.
Coding change: c.859G>A on transcript NM_001048174.2 (MANE Select); coding-DNA position 859, G replaced by A.
Protein change: p.Glu287Lys; replaces glutamic acid 287 with lysine.
Molecular consequence: missense variant. On other transcripts: non-coding transcript variant (2).
Genome position (GRCh38, 1-based): chr1:45,332,077, C>T on the plus strand (G>A on the coding strand, the complement: MUTYH is on the minus strand). VCF-style: chr1-45332077-C-T. GRCh37 (hg19) VCF-style: chr1-45797749-C-T.
Other names: c.859G>A, p.Glu287Lys (NM_001048171.2, NM_001048173.2, NM_001293195.2); c.862G>A, p.Glu288Lys (NM_001048172.2); c.943G>A, p.Glu315Lys (NM_001128425.2); c.904G>A, p.Glu302Lys (NM_001293190.2); c.892G>A, p.Glu298Lys (NM_001293191.2); c.583G>A, p.Glu195Lys (NM_001293192.2, NM_001293196.2); c.514G>A, p.Glu172Lys (NM_001350650.2, NM_001350651.2); c.934G>A, p.Glu312Lys (NM_012222.3); short protein forms E172K, E195K, E287K, E288K, E298K, E302K, E312K, E315K.
Identifiers: ClinVar variation 1021821 (VCV001021821.12), dbSNP rs1644997083, ClinGen allele CA340134212.
Genomic context (GRCh38, chr1:45,332,077, plus strand): 5'-GCTCACCACACTCCTCCACGTCAGGACTGCCCGACAGGCTCCCTGAGGCTAAGAGCTGTT[C>T]CTGCTCCACCTGAGAGGCACAGGGTTGAGTGTCATAGGGCAGAGTCACTCCTTAGGACTT-3'
Protein context (NP_001041639.1, residues 277-297): LCRARQRVEQ[Glu287Lys]QLLASGSLSG